The following is an entry in ClinVar:

NM_152743.4(BRAT1):c.1873G>A (p.Ala625Thr)

Gene: BRAT1 (BRCA1 associated ATM activator 1; minus strand). Cytogenetic location: 7p22.3.
Variant type: single nucleotide variant.
Coding change: c.1873G>A on transcript NM_152743.4 (MANE Select); coding-DNA position 1873, G replaced by A.
Protein change: p.Ala625Thr; replaces alanine 625 with threonine.
Molecular consequence: missense variant. On other transcripts: non-coding transcript variant (1).
Genome position (GRCh38, 1-based): chr7:2,538,662, C>T on the plus strand (G>A on the coding strand, the complement: BRAT1 is on the minus strand). VCF-style: chr7-2538662-C-T. GRCh37 (hg19) VCF-style: chr7-2578296-C-T.
Other names: c.2053G>A, p.Ala685Thr (NM_001350626.2); c.1348G>A, p.Ala450Thr (NM_001350627.2); short protein forms A685T, A450T, A625T.
Identifiers: ClinVar variation 858481 (VCV000858481.8), dbSNP rs758308165, ClinGen allele CA4127533.

ClinVar aggregate classification (germline): Uncertain significance. Review status: criteria provided, multiple submitters, no conflicts (2 of 4 stars). 2 submissions from 2 submitters: Uncertain significance (2). Last evaluated 2022-05-30.

Conditions:
Neonatal-onset encephalopathy with rigidity and seizures. Also called: Lethal neonatal spasticity-epileptic encephalopathy syndrome. Identifiers: Orphanet 435845, MedGen C3281029, MONDO:0013784, OMIM 614498.

Allele frequency attached by ClinVar (database versions not stated): ExAC 0.00001; gnomAD exomes 0.00001; TOPMed 0.00001.
gnomAD v4.1: 9 of 1,598,322 alleles (0.00056%); highest among the groups gnomAD compares: East Asian, 0.0045%; no homozygotes.

Submissions (2):

Labcorp Genetics (formerly Invitae), Labcorp
Classification: Uncertain significance for Neonatal-onset encephalopathy with rigidity and seizures. Last evaluated: 2022-05-30. Review status: criteria provided, single submitter. Criteria: Invitae Variant Classification Sherloc (09022015). Collection method: clinical testing. Allele origin: germline.
Comment: This sequence change replaces alanine, which is neutral and non-polar, with threonine, which is neutral and polar, at codon 625 of the BRAT1 protein (p.Ala625Thr). This variant is present in population databases (rs758308165, gnomAD 0.008%). This variant has not been reported in the literature in individuals affected with BRAT1-related conditions. ClinVar contains an entry for this variant (Variation ID: 858481). Algorithms developed to predict the effect of missense changes on protein structure and function output the following: SIFT: "Tolerated"; PolyPhen-2: "Benign"; Align-GVGD: "Class C0". The threonine amino acid residue is found in multiple mammalian species, which suggests that this missense change does not adversely affect protein function. In summary, the available evidence is currently insufficient to determine the role of this variant in disease. Therefore, it has been classified as a Variant of Uncertain Significance.

GeneDx
Classification: Uncertain significance. Last evaluated: 2019-11-14. Review status: criteria provided, single submitter. Criteria: GeneDx Variant Classification Process June 2021. Collection method: clinical testing. Allele origin: germline. Affected: yes.
Comment: Not observed at a significant frequency in large population cohorts (Lek et al., 2016); In silico analysis, which includes protein predictors and evolutionary conservation, supports that this variant does not alter protein structure/function; Has not been previously published as pathogenic or benign to our knowledge